The following is an entry in ClinVar:

ClinVar aggregate classification (germline): Uncertain significance (1 of 4 stars; one submission).

Conditions:
Familial thoracic aortic aneurysm and aortic dissection (TAAD). Also called: Thoracic aortic aneurysms and dissections. Identifiers: Orphanet 91387, MedGen C4707243, MONDO:0019625.

Submission:

Ambry Genetics
Classification: Uncertain significance for Familial thoracic aortic aneurysm and aortic dissection. Last evaluated: 2024-06-21. Review status: criteria provided, single submitter. Criteria: Ambry Variant Classification Scheme 2023. Collection method: clinical testing. Allele origin: germline.
Comment: The p.P1849L variant (also known as c.5546C>T), located in coding exon 38 of the MED12 gene, results from a C to T substitution at nucleotide position 5546. The proline at codon 1849 is replaced by leucine, an amino acid with similar properties. This amino acid position is conserved. In addition, this alteration is predicted to be tolerated by in silico analysis. Based on the available evidence, the clinical significance of this variant remains unclear.

NM_005120.3(MED12):c.5546C>T (p.Pro1849Leu)

Gene: MED12 (mediator complex subunit 12; plus strand). Cytogenetic location: Xq13.1.
Variant type: single nucleotide variant.
Coding change: c.5546C>T on transcript NM_005120.3 (MANE Select); coding-DNA position 5546, C replaced by T.
Protein change: p.Pro1849Leu; replaces proline 1849 with leucine.
Molecular consequence: missense variant.
Genome position (GRCh38, 1-based): chrX:71,137,024, C>T. VCF-style: chrX-71137024-C-T. GRCh37 (hg19) VCF-style: chrX-70356874-C-T.
Other names: short protein forms P1849L.
Identifiers: ClinVar variation 3293969 (VCV003293969.1).